The following is an entry in ClinVar:

ClinVar aggregate classification (germline): Uncertain significance (1 of 4 stars; one submission).

Submission:

Dasa
Classification: Uncertain significance. Last evaluated: 2025-06-10. Review status: criteria provided, single submitter. Criteria: DASA Assertion Criteria. Collection method: clinical testing. Allele origin: germline.
Comment: NM_001242862.3(PRKACB):c.23_31del (p.Ile8_Tyr11delinsAsn) is an in-frame insertion/deletion-insertion predicted to alter the protein sequence without shifting the reading frame. This variant is absent from population databases. The currently available literature and clinical evidence are not sufficient to establish a definitive association between this variant and the reported condition. Therefore, this variant is classified as a variant of uncertain significance.

NM_182948.4(PRKACB):c.250-518_250-510del

Gene: PRKACB (protein kinase cAMP-activated catalytic subunit beta; plus strand). Cytogenetic location: 1p31.1.
Variant type: Deletion.
Coding change: c.250-518_250-510del on transcript NM_182948.4 (MANE Select); 518 bases into the intron before coding-DNA position 250 through 510 bases into the intron before coding-DNA position 250, 9 bases deleted (TAAGCTTAT; older notation c.250-518_250-510delTAAGCTTAT).
Molecular consequence: intron variant. On other transcripts: inframe indel (1).
Genome position (GRCh38, 1-based): chr1:84,181,682-84,181,690, TAAGCTTAT deleted. VCF-style (leftmost placement, unchanged base first): chr1-84181681-ATAAGCTTAT-A. GRCh37 (hg19) VCF-style: chr1-84647364-ATAAGCTTAT-A.
Other names: c.23_31del, p.Ile8_Tyr11delinsAsn (NM_001242862.3); c.109-518_109-510del (NM_002731.4, NM_001375576.1, NM_207578.3); c.250-518_250-510del (NM_001300916.2); c.130-518_130-510del (NM_001242857.3, NM_001375581.1, NM_001375569.1); c.121-518_121-510del (NM_001242859.3, NM_001375572.1); c.106-518_106-510del (NM_001375562.1); c.97-518_97-510del (NM_001375563.1); c.73-518_73-510del (NM_001242858.3, NM_001375578.1, NM_001300917.2); and 5 more.
Identifiers: ClinVar variation 4884108 (VCV004884108.2).